The following is an entry in ClinVar:

NM_000038.6(APC):c.1923T>G (p.Asn641Lys)

Gene: APC (APC regulator of Wnt signaling pathway; plus strand). Cytogenetic location: 5q22.2.
Variant type: single nucleotide variant.
Coding change: c.1923T>G on transcript NM_000038.6 (MANE Select); coding-DNA position 1923, T replaced by G.
Protein change: p.Asn641Lys; replaces asparagine 641 with lysine.
Molecular consequence: missense variant. On other transcripts: non-coding transcript variant (2).
Genome position (GRCh38, 1-based): chr5:112,835,130, T>G. VCF-style: chr5-112835130-T-G. GRCh37 (hg19) VCF-style: chr5-112170827-T-G.
Other names: c.1923T>G, p.Asn641Lys (NM_001127510.3, NM_001354895.2, NM_001407450.1); c.1869T>G, p.Asn623Lys (NM_001127511.3); c.1977T>G, p.Asn659Lys (NM_001354896.2, NM_001407447.1, NM_001407448.1 and 1 more transcripts); c.1953T>G, p.Asn651Lys (NM_001354897.2); c.1848T>G, p.Asn616Lys (NM_001354898.2); c.1839T>G, p.Asn613Lys (NM_001354899.2); c.1800T>G, p.Asn600Lys (NM_001354900.2); c.1746T>G, p.Asn582Lys (NM_001354901.2, NM_001407453.1); and 11 more; short protein forms N257K, N358K, N481K, N512K, N515K, N540K, N550K, N558K.
Identifiers: ClinVar variation 4756816 (VCV004756816.1).

ClinVar aggregate classification (germline): Uncertain significance (1 of 4 stars; one submission).

Conditions:
Hereditary cancer-predisposing syndrome. Also called: Tumor predisposition; Hereditary Cancer Syndrome; Neoplastic Syndromes, Hereditary; Hereditary neoplastic syndrome. Identifiers: Orphanet 140162, MedGen C0027672, MeSH D009386, MONDO:0015356.

Submission:

Color Diagnostics, LLC DBA Color Health
Classification: Uncertain significance for Hereditary cancer-predisposing syndrome. Last evaluated: 2025-06-23. Review status: criteria provided, single submitter. Criteria: ACMG Guidelines, 2015. Collection method: clinical testing. Allele origin: germline.
Comment: This missense variant replaces asparagine with lysine at codon 641 of the APC protein. Computational prediction is inconclusive regarding the impact of this variant on protein structure and function. To our knowledge, functional studies have not been reported for this variant. This variant has not been reported in individuals affected with APC-related disorders in the literature. This variant has not been identified in the general population by the Genome Aggregation Database (gnomAD). The available evidence is insufficient to determine the role of this variant in disease conclusively. Therefore, this variant is classified as a Variant of Uncertain Significance.